The following is an entry in ClinVar:

NM_000257.4(MYH7):c.3359A>C (p.Glu1120Ala)

Gene: MYH7 (myosin heavy chain 7; minus strand). Cytogenetic location: 14q11.2.
Variant type: single nucleotide variant.
Coding change: c.3359A>C on transcript NM_000257.4 (MANE Select); coding-DNA position 3359, A replaced by C.
Protein change: p.Glu1120Ala; replaces glutamic acid 1120 with alanine.
Molecular consequence: missense variant.
Genome position (GRCh38, 1-based): chr14:23,420,212, T>G on the plus strand (A>C on the coding strand, the complement: MYH7 is on the minus strand). VCF-style: chr14-23420212-T-G. GRCh37 (hg19) VCF-style: chr14-23889421-T-G.
Other names: c.3359A>C, p.Glu1120Ala (NM_001407004.1); short protein forms E1120A.
Identifiers: ClinVar variation 2908757 (VCV002908757.3), dbSNP rs2502265335, ClinGen allele CA389044152.
Genomic context (GRCh38, chr14:23,420,212, plus strand): 5'-GACAGGTCTGAGCGCAGCTTCTCCACCTTAGCCCTGGCGGTGCGCTCGGCCTCCAGCTCC[T>G]CCTCCAGCTCCTCGATGCGTGCCTGGTCAGACACAAAGGGCTCAGACCCACCGCCTGGAC-3'
Protein context (NP_000248.2, residues 1110-1130): ELQARIEELE[Glu1120Ala]ELEAERTARA

ClinVar aggregate classification (germline): Uncertain significance (1 of 4 stars; one submission).

Conditions:
Hypertrophic cardiomyopathy. Also called: HYPERTROPHIC MYOCARDIOPATHY. Identifiers: Orphanet 217569, MedGen C0007194, MeSH D002312, MONDO:0005045, HP:0001639.

Submission:

Labcorp Genetics (formerly Invitae), Labcorp
Classification: Uncertain significance for Hypertrophic cardiomyopathy. Last evaluated: 2025-03-17. Review status: criteria provided, single submitter. Criteria: Invitae Variant Classification Sherloc (09022015). Collection method: clinical testing. Allele origin: germline.
Comment: This sequence change replaces glutamic acid, which is acidic and polar, with alanine, which is neutral and non-polar, at codon 1120 of the MYH7 protein (p.Glu1120Ala). This variant is not present in population databases (gnomAD no frequency). This missense change has been observed in individual(s) with hypertrophic cardiomyopathy (internal data). ClinVar contains an entry for this variant (Variation ID: 2908757). Invitae Evidence Modeling of protein sequence and biophysical properties (such as structural, functional, and spatial information, amino acid conservation, physicochemical variation, residue mobility, and thermodynamic stability) indicates that this missense variant is expected to disrupt MYH7 protein function with a positive predictive value of 95%. In summary, the available evidence is currently insufficient to determine the role of this variant in disease. Therefore, it has been classified as a Variant of Uncertain Significance.